The following is an entry in ClinVar:

NM_016203.4(PRKAG2):c.1558A>G (p.Ile520Val)

Gene: PRKAG2 (protein kinase AMP-activated non-catalytic subunit gamma 2; minus strand). Cytogenetic location: 7q36.1.
Variant type: single nucleotide variant.
Coding change: c.1558A>G on transcript NM_016203.4 (MANE Select); coding-DNA position 1558, A replaced by G.
Protein change: p.Ile520Val; replaces isoleucine 520 with valine.
Molecular consequence: missense variant.
Genome position (GRCh38, 1-based): chr7:151,564,104, T>C on the plus strand (A>G on the coding strand, the complement: PRKAG2 is on the minus strand). VCF-style: chr7-151564104-T-C. GRCh37 (hg19) VCF-style: chr7-151261190-T-C.
Other names: c.1426A>G, p.Ile476Val (NM_001040633.2, NM_001407024.1); c.1183A>G, p.Ile395Val (NM_001304527.2, NM_001407029.1); c.835A>G, p.Ile279Val (NM_001304531.2, NM_001407034.1, NM_001407035.1 and 1 more transcripts); c.1186A>G, p.Ile396Val (NM_001363698.2, NM_001407028.1); c.1558A>G, p.Ile520Val (NM_001407021.1); c.1555A>G, p.Ile519Val (NM_001407022.1, NM_001407023.1); c.1423A>G, p.Ile475Val (NM_001407026.1, NM_001407027.1); c.1270A>G, p.Ile424Val (NM_001407030.1); and 6 more; short protein forms I278V, I279V, I295V, I299V, I395V, I396V, I412V, I414V.
Identifiers: ClinVar variation 4756484 (VCV004756484.1).

ClinVar aggregate classification (germline): Uncertain significance (1 of 4 stars; one submission).

Conditions:
Cardiomyopathy (CMYO). Also called: Cardiomyopathies. Identifiers: Orphanet 167848, MedGen C0878544, MONDO:0004994, HP:0001638. Inheritance: Various modes of inheritance.

gnomAD v4.1: 1 of 1,614,194 alleles (0.000062%); highest among the groups gnomAD compares: Non-Finnish European, 0.000085%; no homozygotes.

Submission:

Color Diagnostics, LLC DBA Color Health
Classification: Uncertain significance for Cardiomyopathy. Last evaluated: 2025-09-18. Review status: criteria provided, single submitter. Criteria: ACMG Guidelines, 2015. Collection method: clinical testing. Allele origin: germline.
Comment: This missense variant replaces isoleucine with valine at codon 520 of the PRKAG2 protein. Computational prediction suggests that this variant may not impact protein structure and function. To our knowledge, functional studies have not been reported for this variant. This variant has not been reported in individuals affected with PRKAG2-related disorders in the literature. This variant has not been identified in the general population by the Genome Aggregation Database (gnomAD). The available evidence is insufficient to determine the role of this variant in disease conclusively. Therefore, this variant is classified as a Variant of Uncertain Significance.